The following is an entry in ClinVar:

ClinVar aggregate classification (germline): Uncertain significance (1 of 4 stars; one submission).

Submission:

Labcorp Genetics (formerly Invitae), Labcorp
Classification: Uncertain significance. Last evaluated: 2024-11-11. Review status: criteria provided, single submitter. Criteria: Invitae Variant Classification Sherloc (09022015). Collection method: clinical testing. Allele origin: germline.
Comment: This sequence change replaces phenylalanine, which is neutral and non-polar, with leucine, which is neutral and non-polar, at codon 825 of the ZNF469 protein (p.Phe825Leu). This variant is not present in population databases (gnomAD no frequency). This variant has not been reported in the literature in individuals affected with ZNF469-related conditions. ClinVar contains an entry for this variant (Variation ID: 2843061). An algorithm developed to predict the effect of missense changes on protein structure and function outputs the following: PolyPhen-2: "Benign". The leucine amino acid residue is found in multiple mammalian species, which suggests that this missense change does not adversely affect protein function. In summary, the available evidence is currently insufficient to determine the role of this variant in disease. Therefore, it has been classified as a Variant of Uncertain Significance.

NM_001367624.2(ZNF469):c.2475C>G (p.Phe825Leu)

Gene: ZNF469 (zinc finger protein 469; plus strand). Cytogenetic location: 16q24.2.
Variant type: single nucleotide variant.
Coding change: c.2475C>G on transcript NM_001367624.2 (MANE Select); coding-DNA position 2475, C replaced by G.
Protein change: p.Phe825Leu; replaces phenylalanine 825 with leucine.
Molecular consequence: missense variant.
Genome position (GRCh38, 1-based): chr16:88,429,945, C>G. VCF-style: chr16-88429945-C-G. GRCh37 (hg19) VCF-style: chr16-88496353-C-G.
Other names: short protein forms F825L.
Identifiers: ClinVar variation 2843061 (VCV002843061.3), dbSNP rs755782224, ClinGen allele CA397072353.